The following is an entry in ClinVar:

NM_001448.3(GPC4):c.76A>G (p.Lys26Glu)

Gene: GPC4 (glypican 4; minus strand). Cytogenetic location: Xq26.2.
Variant type: single nucleotide variant.
Coding change: c.76A>G on transcript NM_001448.3 (MANE Select); coding-DNA position 76, A replaced by G.
Protein change: p.Lys26Glu; replaces lysine 26 with glutamic acid.
Molecular consequence: missense variant.
Genome position (GRCh38, 1-based): chrX:133,414,890, T>C on the plus strand (A>G on the coding strand, the complement: GPC4 is on the minus strand). VCF-style: chrX-133414890-T-C. GRCh37 (hg19) VCF-style: chrX-132548918-T-C.
Other names: c.76A>G (NM_001448.2); short protein forms K26E.
Identifiers: ClinVar variation 1700694 (VCV001700694.3), dbSNP rs770317897, ClinGen allele CA10520592.
Genomic context (GRCh38, chrX:133,414,890, plus strand): 5'-CGTTCTTGTTGAAGCCTTTGGACACGTAAAGACGTCGCACTTCCGAGCAACTTTTCGACT[T>C]GAGCTCGGCAGCCAGCAGCGCGGCGCTGAGCACTGCCAGGGTGCAGAGAAGCGCGGGCAA-3'
Protein context (NP_001439.2, residues 16-36): LSAALLAAEL[Lys26Glu]SKSCSEVRRL

ClinVar aggregate classification (germline): Uncertain significance. Review status: criteria provided, multiple submitters, no conflicts (2 of 4 stars). 2 submissions from 2 submitters: Uncertain significance (2). Last evaluated 2024-05-12.

Conditions:
Inborn genetic diseases. Identifiers: MedGen C0950123, MeSH D030342.

Allele frequency attached by ClinVar (database versions not stated): gnomAD exomes below 0.00001 and 0.00001; TOPMed below 0.00001; ExAC 0.00001.

Submissions (2):

Ambry Genetics
Classification: Uncertain significance for Inborn genetic diseases. Last evaluated: 2024-05-12. Review status: criteria provided, single submitter. Criteria: Ambry Variant Classification Scheme 2023. Collection method: clinical testing. Allele origin: germline.

Centre of Medical Genetics, University Hospital Muenster
Classification: Uncertain significance. Last evaluated: 2022-07-01. Review status: criteria provided, single submitter. Criteria: ACMG Guidelines, 2015. Collection method: clinical testing. Allele origin: unknown. Affected: yes. Observed: 1 variant allele.
Comment: ACMG categories: PS4,BP1